The following is an entry in ClinVar:

ClinVar aggregate classification (germline): Uncertain significance (1 of 4 stars; one submission).

Submission:

Ambry Genetics
Classification: Uncertain significance. Last evaluated: 2024-12-13. Review status: criteria provided, single submitter. Criteria: Ambry Variant Classification Scheme 2023. Collection method: clinical testing. Allele origin: germline.
Comment: The p.N247D variant (also known as c.739A>G), located in coding exon 6 of the GEN1 gene, results from an A to G substitution at nucleotide position 739. The asparagine at codon 247 is replaced by aspartic acid, an amino acid with highly similar properties. This amino acid position is conserved. In addition, this alteration is predicted to be tolerated by in silico analysis. Based on the available evidence, the clinical significance of this variant remains unclear.

NM_001130009.3(GEN1):c.739A>G (p.Asn247Asp)

Gene: GEN1 (GEN1 Holliday junction 5' flap endonuclease; plus strand). Cytogenetic location: 2p24.2.
Variant type: single nucleotide variant.
Coding change: c.739A>G on transcript NM_001130009.3 (MANE Select); coding-DNA position 739, A replaced by G.
Protein change: p.Asn247Asp; replaces asparagine 247 with aspartic acid.
Molecular consequence: missense variant.
Genome position (GRCh38, 1-based): chr2:17,771,224, A>G. VCF-style: chr2-17771224-A-G. GRCh37 (hg19) VCF-style: chr2-17952491-A-G.
Other names: c.739A>G, p.Asn247Asp (NM_182625.5); short protein forms N247D.
Identifiers: ClinVar variation 3853422 (VCV003853422.1).